The following is an entry in ClinVar:

NM_000038.6(APC):c.3555A>G (p.Thr1185=)

Gene: APC (APC regulator of Wnt signaling pathway; plus strand). Cytogenetic location: 5q22.2.
Variant type: single nucleotide variant.
Coding change: c.3555A>G on transcript NM_000038.6 (MANE Select); coding-DNA position 3555, A replaced by G.
Protein change: p.Thr1185=; no amino-acid change (threonine 1185 retained).
Molecular consequence: synonymous variant.
Genome position (GRCh38, 1-based): chr5:112,839,149, A>G. VCF-style: chr5-112839149-A-G. GRCh37 (hg19) VCF-style: chr5-112174846-A-G.
Other names: c.3555A>G, p.Thr1185= (NM_001127510.3, NM_001354895.2); c.3501A>G, p.Thr1167= (NM_001127511.3); c.3609A>G, p.Thr1203= (NM_001354896.2); c.3585A>G, p.Thr1195= (NM_001354897.2); c.3480A>G, p.Thr1160= (NM_001354898.2); c.3471A>G, p.Thr1157= (NM_001354899.2); c.3432A>G, p.Thr1144= (NM_001354900.2); c.3378A>G, p.Thr1126= (NM_001354901.2); and 5 more.
Identifiers: ClinVar variation 183865 (VCV000183865.24), dbSNP rs786201125, ClinGen allele CA008507.

ClinVar aggregate classification (germline): Benign/Likely benign. Review status: criteria provided, multiple submitters, no conflicts (2 of 4 stars). 9 submissions from 9 submitters: Benign (1); Likely benign (7). 1 of the submissions does not count toward it. Last evaluated 2026-01-12.

Conditions:
Hereditary cancer-predisposing syndrome. Also called: Tumor predisposition; Hereditary Cancer Syndrome; Hereditary neoplastic syndrome; Neoplastic Syndromes, Hereditary. Identifiers: Orphanet 140162, MedGen C0027672, MeSH D009386, MONDO:0015356.
Familial adenomatous polyposis 1 (FAP1). Also called: FAMILIAL ADENOMATOUS POLYPOSIS 1, ATTENUATED; POLYPOSIS, ADENOMATOUS INTESTINAL. Identifiers: MedGen C2713442, MONDO:0021056, OMIM 175100. Disease mechanism: loss of function.

Allele frequency attached by ClinVar (database versions not stated): TOPMed below 0.00001; gnomAD 0.00001; gnomAD exomes 0.00002.
gnomAD v4.1: 30 of 1,614,026 alleles (0.0019%); highest among the groups gnomAD compares: Non-Finnish European, 0.0025%; no homozygotes.

Submissions (9):

Labcorp Genetics (formerly Invitae), Labcorp
Classification: Likely benign for Familial adenomatous polyposis 1. Last evaluated: 2026-01-12. Review status: criteria provided, single submitter. Criteria: Invitae Variant Classification Sherloc (09022015). Collection method: clinical testing. Allele origin: germline.

Quest Diagnostics Nichols Institute San Juan Capistrano
Classification: Likely benign. Last evaluated: 2023-09-07. Review status: criteria provided, single submitter. Criteria: Quest Diagnostics criteria. Collection method: clinical testing. Allele origin: unknown.

Myriad Genetics, Inc.
Classification: Benign for Familial adenomatous polyposis 1. Last evaluated: 2023-02-17. Review status: criteria provided, single submitter. Criteria: Myriad Autosomal Dominant, Autosomal Recessive and X-Linked Classification Criteria (2023). Collection method: clinical testing. Allele origin: unknown.
Comment: This variant is considered benign. This variant is a silent/synonymous amino acid change and it is not expected to impact splicing.

Women's Health and Genetics/Laboratory Corporation of America, LabCorp
Classification: Likely benign. Last evaluated: 2019-10-19. Review status: criteria provided, single submitter. Criteria: LabCorp Variant Classification Summary - May 2015. Collection method: clinical testing. Allele origin: germline.

Ambry Genetics
Classification: Likely benign for Hereditary cancer-predisposing syndrome. Last evaluated: 2019-05-24. Review status: criteria provided, single submitter. Criteria: Ambry Variant Classification Scheme 2023. Collection method: clinical testing. Allele origin: germline.

PreventionGenetics, part of Exact Sciences
Classification: Likely benign. Last evaluated: 2017-06-15. Review status: criteria provided, single submitter. Criteria: ACMG Guidelines, 2015. Collection method: clinical testing. Allele origin: germline.

Color Diagnostics, LLC DBA Color Health
Classification: Likely benign for Hereditary cancer-predisposing syndrome. Last evaluated: 2016-11-22. Review status: criteria provided, single submitter. Criteria: ACMG Guidelines, 2015. Collection method: clinical testing. Allele origin: germline.

GeneDx
Classification: Likely benign. Last evaluated: 2016-02-24. Review status: criteria provided, single submitter. Criteria: GeneDx Variant Classification (06012015). Collection method: clinical testing. Allele origin: germline. Affected: yes.
Comment: This variant is considered likely benign or benign based on one or more of the following criteria: it is a conservative change, it occurs at a poorly conserved position in the protein, it is predicted to be benign by multiple in silico algorithms, and/or has population frequency not consistent with disease.

Counsyl
Classification: Likely benign for Familial adenomatous polyposis 1. Last evaluated: 2015-12-18. Review status: no assertion criteria provided. Collection method: clinical testing. Allele origin: unknown. Not counted in ClinVar's aggregate classification.